The following is an entry in ClinVar:

ClinVar aggregate classification (germline): Uncertain significance (1 of 4 stars; one submission).

Conditions:
Baller-Gerold syndrome (BGS). Also called: CRANIOSYNOSTOSIS WITH RADIAL DEFECTS. Identifiers: Orphanet 1225, MedGen C0265308, MONDO:0009039, OMIM 218600.

Submission:

Labcorp Genetics (formerly Invitae), Labcorp
Classification: Uncertain significance for Baller-Gerold syndrome. Last evaluated: 2023-04-24. Review status: criteria provided, single submitter. Criteria: Invitae Variant Classification Sherloc (09022015). Collection method: clinical testing. Allele origin: germline.
Comment: In summary, the available evidence is currently insufficient to determine the role of this variant in disease. Therefore, it has been classified as a Variant of Uncertain Significance. This variant is not present in population databases (gnomAD no frequency). This sequence change replaces arginine, which is basic and polar, with leucine, which is neutral and non-polar, at codon 367 of the RECQL4 protein (p.Arg367Leu). Advanced modeling of protein sequence and biophysical properties (such as structural, functional, and spatial information, amino acid conservation, physicochemical variation, residue mobility, and thermodynamic stability) performed at Invitae indicates that this missense variant is not expected to disrupt RECQL4 protein function. ClinVar contains an entry for this variant (Variation ID: 1040937). This variant has not been reported in the literature in individuals affected with RECQL4-related conditions.

NM_004260.4(RECQL4):c.1100G>T (p.Arg367Leu)

Gene: RECQL4 (RecQ like helicase 4; minus strand). Cytogenetic location: 8q24.3.
Variant type: single nucleotide variant.
Coding change: c.1100G>T on transcript NM_004260.4 (MANE Select); coding-DNA position 1100, G replaced by T.
Protein change: p.Arg367Leu; replaces arginine 367 with leucine.
Molecular consequence: missense variant.
Genome position (GRCh38, 1-based): chr8:144,516,019, C>A on the plus strand (G>T on the coding strand, the complement: RECQL4 is on the minus strand). VCF-style: chr8-144516019-C-A. GRCh37 (hg19) VCF-style: chr8-145741403-C-A.
Other names: short protein forms R367L.
Identifiers: ClinVar variation 1040937 (VCV001040937.3), dbSNP rs766344677, ClinGen allele CA372688045.